The following is an entry in ClinVar:

NM_000051.4(ATM):c.6107A>C (p.Tyr2036Ser)

Genes: ATM (ATM serine/threonine kinase; plus strand), C11orf65 (chromosome 11 open reading frame 65; minus strand). Cytogenetic location: 11q22.3.
Variant type: single nucleotide variant.
Coding change: c.6107A>C on transcript NM_000051.4 (MANE Select); coding-DNA position 6107, A replaced by C.
Protein change: p.Tyr2036Ser; replaces tyrosine 2036 with serine.
Molecular consequence: missense variant. On other transcripts: intron variant (2).
Genome position (GRCh38, 1-based): chr11:108,316,022, A>C. VCF-style: chr11-108316022-A-C. GRCh37 (hg19) VCF-style: chr11-108186749-A-C.
Other names: c.6107A>C, p.Tyr2036Ser (NM_001351834.2); c.641-6951T>G (NM_001330368.2); c.*39-6951T>G (NM_001351110.2); short protein forms Y2036S.
Identifiers: ClinVar variation 3347849 (VCV003347849.1).
Genomic context (GRCh38, chr11:108,316,022, plus strand): 5'-GTTATGTGTGTGTAAAACCCAAAGCTATTTTCACAATCTTTTCTTATAGACTACGAACAT[A>C]TGAACACGAAGCAATGTGGGGCAAAGCCCTAGTAACATATGACCTCGAAACAGCAATCCC-3'
Protein context (NP_000042.3, residues 2026-2046): MLQPITRLRT[Tyr2036Ser]EHEAMWGKAL

ClinVar aggregate classification (germline): Uncertain significance (0 of 4 stars; one submission).

Conditions:
ATM-related disorder. Also called: ATM-related disorders; ATM-related condition.

Submission:

PreventionGenetics, part of Exact Sciences
Classification: Uncertain significance for ATM-related condition. Last evaluated: 2024-06-07. Review status: no assertion criteria provided. Collection method: clinical testing. Allele origin: germline.
Comment: The ATM c.6107A>C variant is predicted to result in the amino acid substitution p.Tyr2036Ser. To our knowledge, this variant has not been reported in the literature or in a large population database, indicating this variant is rare. At this time, the clinical significance of this variant is uncertain due to the absence of conclusive functional and genetic evidence.